The following is an entry in ClinVar:

ClinVar aggregate classification (germline): Uncertain significance (1 of 4 stars; one submission).

Submission:

Labcorp Genetics (formerly Invitae), Labcorp
Classification: Uncertain significance. Last evaluated: 2021-12-13. Review status: criteria provided, single submitter. Criteria: Invitae Variant Classification Sherloc (09022015). Collection method: clinical testing. Allele origin: germline.
Comment: In summary, the available evidence is currently insufficient to determine the role of this variant in disease. Therefore, it has been classified as a Variant of Uncertain Significance. Algorithms developed to predict the effect of missense changes on protein structure and function output the following: SIFT: "Tolerated"; PolyPhen-2: "Benign"; Align-GVGD: "Class C0". The serine amino acid residue is found in multiple mammalian species, which suggests that this missense change does not adversely affect protein function. This variant has not been reported in the literature in individuals affected with IMPG2-related conditions. This variant is not present in population databases (gnomAD no frequency). This sequence change replaces proline, which is neutral and non-polar, with serine, which is neutral and polar, at codon 441 of the IMPG2 protein (p.Pro441Ser).

NM_016247.4(IMPG2):c.1321C>T (p.Pro441Ser)

Gene: IMPG2 (interphotoreceptor matrix proteoglycan 2; minus strand). Cytogenetic location: 3q12.3.
Variant type: single nucleotide variant.
Coding change: c.1321C>T on transcript NM_016247.4 (MANE Select); coding-DNA position 1321, C replaced by T.
Protein change: p.Pro441Ser; replaces proline 441 with serine.
Molecular consequence: missense variant.
Genome position (GRCh38, 1-based): chr3:101,246,024, G>A on the plus strand (C>T on the coding strand, the complement: IMPG2 is on the minus strand). VCF-style: chr3-101246024-G-A. GRCh37 (hg19) VCF-style: chr3-100964868-G-A.
Other names: short protein forms P441S.
Identifiers: ClinVar variation 2042383 (VCV002042383.4), dbSNP rs2508947680, ClinGen allele CA353862825.
Genomic context (GRCh38, chr3:101,246,024, plus strand): 5'-TAGACACTAAATCACCCAAAGGACTTTCTGACCAGAGTTCCCTGCCAGTGGCTGAGGGAG[G>A]ACCAGAGCTGAAATCAAGTGGTGGAATACTGCTGGTGATGGATTCATCTGCTGAGGGCCA-3'
Protein context (NP_057331.2, residues 431-451): SIPPLDFSSG[Pro441Ser]PSATGRELWS